The following is an entry in ClinVar:

NM_000307.5(POU3F4):c.909dup (p.Ala304fs)

Gene: POU3F4 (POU class 3 homeobox 4; plus strand). Cytogenetic location: Xq21.1.
Variant type: Duplication.
Coding change: c.909dup on transcript NM_000307.5 (MANE Select); coding-DNA position 909, one base duplicated (T; older notation c.909dupT).
Protein change: p.Ala304fs; shifts the reading frame from alanine 304.
Molecular consequence: frameshift variant.
Genome position (GRCh38, 1-based): chrX:83,509,233, T duplicated. VCF-style (leftmost placement, unchanged base first): chrX-83509232-C-CT. GRCh37 (hg19) VCF-style: chrX-82764240-C-CT.
Other names: short protein forms A304fs.
Identifiers: ClinVar variation 3601641 (VCV003601641.1).

ClinVar aggregate classification (germline): Likely pathogenic (1 of 4 stars; one submission).

Conditions:
X-linked mixed hearing loss with perilymphatic gusher. Also called: Deafness, X-linked 2; NANCE DEAFNESS; PERILYMPHATIC GUSHER-DEAFNESS SYNDROME; SENSORINEURAL DEAFNESS, PROFOUND, WITH OR WITHOUT A CONDUCTIVE COMPONENT, ASSOCIATED WITH A UNIQUE DEVELOPMENTAL ABNORMALITY OF THE EAR; Gusher syndrome. Identifiers: Orphanet 383, MedGen C1844678, MONDO:0010576, OMIM 304400.

Submission:

Institute of Rare Diseases, West China Hospital, Sichuan University
Classification: Likely pathogenic for X-linked mixed hearing loss with perilymphatic gusher. Last evaluated: 2025-01-09. Review status: criteria provided, single submitter. Criteria: ClinGen HL ACMG Specifications v1. Collection method: research. Allele origin: germline. Affected: yes.
Comment: PVS1;PM2_Supporting